The following is an entry in ClinVar:

ClinVar aggregate classification (germline): Uncertain significance (1 of 4 stars; one submission).

Conditions:
Immunodeficiency, common variable, 10. Also called: IMMUNODEFICIENCY, COMMON VARIABLE, WITH CENTRAL ADRENAL INSUFFICIENCY; DEFICIT IN ANTERIOR PITUITARY FUNCTION AND VARIABLE IMMUNODEFICIENCY. Identifiers: MedGen C3809991, MONDO:0014260, OMIM 615577.

Allele frequency attached by ClinVar (database versions not stated): gnomAD exomes below 0.00001; gnomAD 0.00001; TOPMed 0.00002.
gnomAD v4.1: 2 of 1,613,414 alleles (0.00012%); highest among the groups gnomAD compares: African/African-American, 0.0013%; no homozygotes.

Submission:

Labcorp Genetics (formerly Invitae), Labcorp
Classification: Uncertain significance for Immunodeficiency, common variable, 10. Last evaluated: 2025-05-27. Review status: criteria provided, single submitter. Criteria: Invitae Variant Classification Sherloc (09022015). Collection method: clinical testing. Allele origin: germline.
Comment: This sequence change replaces methionine, which is neutral and non-polar, with isoleucine, which is neutral and non-polar, at codon 564 of the NFKB2 protein (p.Met564Ile). This variant is not present in population databases (gnomAD no frequency). This variant has not been reported in the literature in individuals affected with NFKB2-related conditions. ClinVar contains an entry for this variant (Variation ID: 849871). An algorithm developed to predict the effect of missense changes on protein structure and function (PolyPhen-2) suggests that this variant is likely to be tolerated. In summary, the available evidence is currently insufficient to determine the role of this variant in disease. Therefore, it has been classified as a Variant of Uncertain Significance.

NM_001322934.2(NFKB2):c.1692G>A (p.Met564Ile)

Gene: NFKB2 (nuclear factor kappa B subunit 2; plus strand). Cytogenetic location: 10q24.32.
Variant type: single nucleotide variant.
Coding change: c.1692G>A on transcript NM_001322934.2 (MANE Select); coding-DNA position 1692, G replaced by A.
Protein change: p.Met564Ile; replaces methionine 564 with isoleucine.
Molecular consequence: missense variant.
Genome position (GRCh38, 1-based): chr10:102,400,385, G>A. VCF-style: chr10-102400385-G-A. GRCh37 (hg19) VCF-style: chr10-104160142-G-A.
Other names: c.1692G>A, p.Met564Ile (NM_001077494.3, NM_001261403.3, NM_001288724.1 and 1 more transcripts); c.1566G>A, p.Met522Ile (NM_001322935.1); short protein forms M564I, M522I.
Identifiers: ClinVar variation 849871 (VCV000849871.9), dbSNP rs2061210768, ClinGen allele CA377901921.